The following is an entry in ClinVar:

ClinVar aggregate classification (germline): Uncertain significance (1 of 4 stars; one submission).

Allele frequency attached by ClinVar (database versions not stated): gnomAD exomes below 0.00001; TOPMed below 0.00001.
gnomAD v4.1: 2 of 1,614,136 alleles (0.00012%); highest among the groups gnomAD compares: East Asian, 0.0022%; no homozygotes.

Submission:

Labcorp Genetics (formerly Invitae), Labcorp
Classification: Uncertain significance. Last evaluated: 2022-08-22. Review status: criteria provided, single submitter. Criteria: Invitae Variant Classification Sherloc (09022015). Collection method: clinical testing. Allele origin: germline.
Comment: This sequence change replaces proline, which is neutral and non-polar, with serine, which is neutral and polar, at codon 1269 of the TTLL5 protein (p.Pro1269Ser). This variant is not present in population databases (gnomAD no frequency). This variant has not been reported in the literature in individuals affected with TTLL5-related conditions. Algorithms developed to predict the effect of missense changes on protein structure and function are either unavailable or do not agree on the potential impact of this missense change (SIFT: "Tolerated"; PolyPhen-2: "Possibly Damaging"; Align-GVGD: "Class C0"). In summary, the available evidence is currently insufficient to determine the role of this variant in disease. Therefore, it has been classified as a Variant of Uncertain Significance.

NM_015072.5(TTLL5):c.3805C>T (p.Pro1269Ser)

Gene: TTLL5 (tubulin tyrosine ligase like 5; plus strand). Cytogenetic location: 14q24.3.
Variant type: single nucleotide variant.
Coding change: c.3805C>T on transcript NM_015072.5 (MANE Select); coding-DNA position 3805, C replaced by T.
Protein change: p.Pro1269Ser; replaces proline 1269 with serine.
Molecular consequence: missense variant.
Genome position (GRCh38, 1-based): chr14:75,902,206, C>T. VCF-style: chr14-75902206-C-T. GRCh37 (hg19) VCF-style: chr14-76368549-C-T.
Other names: short protein forms P1269S.
Identifiers: ClinVar variation 1961148 (VCV001961148.5), dbSNP rs2032953555, ClinGen allele CA390538727.